The following is an entry in ClinVar:

ClinVar aggregate classification (germline): Uncertain significance (1 of 4 stars; one submission).

Conditions:
MAGEL2-related disorder. Also called: MAGEL2-related condition.

Allele frequency attached by ClinVar (database versions not stated): gnomAD exomes below 0.00001; TOPMed below 0.00001.

Submission:

PreventionGenetics, part of Exact Sciences
Classification: Uncertain significance for MAGEL2-related condition. Last evaluated: 2023-03-16. Review status: criteria provided, single submitter. Criteria: ACMG Guidelines, 2015. Collection method: clinical testing. Allele origin: germline.
Comment: The MAGEL2 c.517C>T variant is predicted to result in the amino acid substitution p.Pro173Ser. To our knowledge, this variant has not been reported in the literature or in a large population database, indicating this variant is rare. At this time, the clinical significance of this variant is uncertain due to the absence of conclusive functional and genetic evidence.

NM_019066.5(MAGEL2):c.517C>T (p.Pro173Ser)

Gene: MAGEL2 (MAGE family member L2; minus strand). Cytogenetic location: 15q11.2.
Variant type: single nucleotide variant.
Coding change: c.517C>T on transcript NM_019066.5 (MANE Select); coding-DNA position 517, C replaced by T.
Protein change: p.Pro173Ser; replaces proline 173 with serine.
Molecular consequence: missense variant.
Genome position (GRCh38, 1-based): chr15:23,647,226, G>A on the plus strand (C>T on the coding strand, the complement: MAGEL2 is on the minus strand). VCF-style: chr15-23647226-G-A. GRCh37 (hg19) VCF-style: chr15-23892373-G-A.
Other names: short protein forms P173S.
Identifiers: ClinVar variation 2633827 (VCV002633827.1), dbSNP rs1890435912, ClinGen allele CA391337061.
Genomic context (GRCh38, chr15:23,647,226, plus strand): 5'-GAGGATGAGCCATCGGGGTCCCCGGAGGAGGAGGATGCACCATCGGGGTCCCCGGAGGAG[G>A]AGGATGGGCCATCGGGGTCCCCGGAGGAGGAGGATGGGCCATTGGGGTCCCCGGAGGGGG-3'
Protein context (NP_061939.3, residues 163-183): PPPGTPMAHP[Pro173Ser]PPGTPMVHPP